The following is an entry in ClinVar:

ClinVar aggregate classification (germline): Uncertain significance. Review status: criteria provided, multiple submitters, no conflicts (2 of 4 stars). 2 submissions from 2 submitters: Uncertain significance (2). Last evaluated 2026-01-16.

Conditions:
Syndromic intellectual disability. Also called: Intellectual disability syndrome. Identifiers: Orphanet 183763, MedGen C5680525, MONDO:0000508.

gnomAD v4.1: 1 of 1,614,212 alleles (0.000062%); highest among the groups gnomAD compares: Non-Finnish European, 0.000085%; no homozygotes.

Submissions (2):

Dasa
Classification: Uncertain significance for Syndromic intellectual disability. Last evaluated: 2026-01-16. Review status: criteria provided, single submitter. Criteria: DASA Assertion Criteria. Collection method: clinical testing. Allele origin: germline.
Comment: NM_015335.5(MED13L):c.4805C>T (p.Thr1602Ile) is a missense variant that results in the substitution of threonine with isoleucine. This variant is rare in population databases. The currently available literature and clinical evidence are not sufficient to establish a definitive association between this variant and the reported condition. Therefore, this variant is classified as a variant of uncertain significance.

GeneDx
Classification: Uncertain significance. Last evaluated: 2024-08-11. Review status: criteria provided, single submitter. Criteria: GeneDx Variant Classification Process June 2021. Collection method: clinical testing. Allele origin: germline. Affected: yes.
Comment: Not observed at significant frequency in large population cohorts (gnomAD); In silico analysis indicates that this missense variant does not alter protein structure/function; In silico analysis suggests this variant may impact gene splicing. In the absence of RNA/functional studies, the actual effect of this sequence change is unknown.; Has not been previously published as pathogenic or benign to our knowledge

NM_015335.5(MED13L):c.4805C>T (p.Thr1602Ile)

Gene: MED13L (mediator complex subunit 13L; minus strand). Cytogenetic location: 12q24.21.
Variant type: single nucleotide variant.
Coding change: c.4805C>T on transcript NM_015335.5 (MANE Select); coding-DNA position 4805, C replaced by T.
Protein change: p.Thr1602Ile; replaces threonine 1602 with isoleucine.
Molecular consequence: missense variant.
Genome position (GRCh38, 1-based): chr12:115,983,267, G>A on the plus strand (C>T on the coding strand, the complement: MED13L is on the minus strand). VCF-style: chr12-115983267-G-A. GRCh37 (hg19) VCF-style: chr12-116421072-G-A.
Other names: short protein forms T1602I.
Identifiers: ClinVar variation 3731042 (VCV003731042.3).